The following is an entry in ClinVar:

NM_006030.4(CACNA2D2):c.215A>G (p.His72Arg)

Gene: CACNA2D2 (calcium voltage-gated channel auxiliary subunit alpha2delta 2; minus strand). Cytogenetic location: 3p21.31.
Variant type: single nucleotide variant.
Coding change: c.215A>G on transcript NM_006030.4 (MANE Select); coding-DNA position 215, A replaced by G.
Protein change: p.His72Arg; replaces histidine 72 with arginine.
Molecular consequence: missense variant.
Genome position (GRCh38, 1-based): chr3:50,476,191, T>C on the plus strand (A>G on the coding strand, the complement: CACNA2D2 is on the minus strand). VCF-style: chr3-50476191-T-C. GRCh37 (hg19) VCF-style: chr3-50513622-T-C.
Other names: c.215A>G, p.His72Arg (NM_001005505.3, NM_001174051.3); c.8A>G, p.His3Arg (NM_001291101.1); short protein forms H72R, H3R.
Identifiers: ClinVar variation 935147 (VCV000935147.5), dbSNP rs754908844, ClinGen allele CA353002651.

ClinVar aggregate classification (germline): Uncertain significance (1 of 4 stars; one submission).

Conditions:
Developmental and epileptic encephalopathy. Identifiers: MedGen C5779964, MONDO:0100620.

Allele frequency attached by ClinVar (database versions not stated): gnomAD 0.00001.
gnomAD v4.1: 12 of 1,589,232 alleles (0.00076%); highest among the groups gnomAD compares: South Asian, 0.0034%; no homozygotes.

Submission:

Labcorp Genetics (formerly Invitae), Labcorp
Classification: Uncertain significance for Early-infantile DEE. Last evaluated: 2021-08-27. Review status: criteria provided, single submitter. Criteria: Invitae Variant Classification Sherloc (09022015). Collection method: clinical testing. Allele origin: germline.
Comment: This sequence change replaces histidine with arginine at codon 72 of the CACNA2D2 protein (p.His72Arg). The histidine residue is weakly conserved and there is a small physicochemical difference between histidine and arginine. This variant is not present in population databases (ExAC no frequency). This variant has not been reported in the literature in individuals affected with CACNA2D2-related conditions. Algorithms developed to predict the effect of missense changes on protein structure and function (SIFT, PolyPhen-2, Align-GVGD) all suggest that this variant is likely to be tolerated. In summary, the available evidence is currently insufficient to determine the role of this variant in disease. Therefore, it has been classified as a Variant of Uncertain Significance.